The following is an entry in ClinVar:

NM_014159.7(SETD2):c.889A>G (p.Lys297Glu)

Gene: SETD2 (SET domain containing 2, histone lysine methyltransferase; minus strand). Cytogenetic location: 3p21.31.
Variant type: single nucleotide variant.
Coding change: c.889A>G on transcript NM_014159.7 (MANE Select); coding-DNA position 889, A replaced by G.
Protein change: p.Lys297Glu; replaces lysine 297 with glutamic acid.
Molecular consequence: missense variant. On other transcripts: non-coding transcript variant (1).
Genome position (GRCh38, 1-based): chr3:47,123,747, T>C on the plus strand (A>G on the coding strand, the complement: SETD2 is on the minus strand). VCF-style: chr3-47123747-T-C. GRCh37 (hg19) VCF-style: chr3-47165237-T-C.
Other names: c.757A>G, p.Lys253Glu (NM_001349370.3); short protein forms K253E, K297E.
Identifiers: ClinVar variation 2572307 (VCV002572307.1), dbSNP rs761758668, ClinGen allele CA352533497.
Genomic context (GRCh38, chr3:47,123,747, plus strand): 5'-TGCCTTCAGATTGTGAGGATTTCTTCTTAGAACCTGTTTTTTTACAGCTCAGACTAATCT[T>C]AGAACTATCTGGAATTTCTTCATCCTTCCCAATATGGGAATCTTCTTTTTTTGAGGAAAT-3'
Protein context (NP_054878.5, residues 287-307): GKDEEIPDSS[Lys297Glu]ISLSCKKTGS

ClinVar aggregate classification (germline): Uncertain significance (1 of 4 stars; one submission).

gnomAD v4.1: 9 of 1,550,128 alleles (0.00058%); highest among the groups gnomAD compares: Non-Finnish European, 0.00079%; no homozygotes.

Submission:

Greenwood Genetic Center Diagnostic Laboratories, Greenwood Genetic Center
Classification: Uncertain significance. Last evaluated: 2023-06-29. Review status: criteria provided, single submitter. Criteria: ACMG Guidelines, 2015. Collection method: clinical testing. Allele origin: germline. Affected: yes.
Comment: PM2